The following is an entry in ClinVar:

ClinVar aggregate classification (germline): Uncertain significance. Review status: criteria provided, multiple submitters, no conflicts (2 of 4 stars). 2 submissions from 2 submitters: Uncertain significance (2). Last evaluated 2024-10-12.

Allele frequency attached by ClinVar (database versions not stated): ExAC 0.00001; gnomAD 0.00002; ESP Exome Variant Server 0.00008.
gnomAD v4.1: 9 of 1,612,822 alleles (0.00056%); highest among the groups gnomAD compares: African/African-American, 0.012%; no homozygotes.

Submissions (2):

Ambry Genetics
Classification: Uncertain significance. Last evaluated: 2024-10-12. Review status: criteria provided, single submitter. Criteria: Ambry Variant Classification Scheme 2023. Collection method: clinical testing. Allele origin: germline.

Labcorp Genetics (formerly Invitae), Labcorp
Classification: Uncertain significance. Last evaluated: 2024-09-06. Review status: criteria provided, single submitter. Criteria: Invitae Variant Classification Sherloc (09022015). Collection method: clinical testing. Allele origin: germline.
Comment: This sequence change replaces serine, which is neutral and polar, with phenylalanine, which is neutral and non-polar, at codon 24 of the WBP2 protein (p.Ser24Phe). This variant is present in population databases (rs374977249, gnomAD 0.01%). This variant has not been reported in the literature in individuals affected with WBP2-related conditions. Invitae Evidence Modeling of protein sequence and biophysical properties (such as structural, functional, and spatial information, amino acid conservation, physicochemical variation, residue mobility, and thermodynamic stability) indicates that this missense variant is not expected to disrupt WBP2 protein function with a negative predictive value of 80%. In summary, the available evidence is currently insufficient to determine the role of this variant in disease. Therefore, it has been classified as a Variant of Uncertain Significance.

NM_012478.4(WBP2):c.71C>T (p.Ser24Phe)

Gene: WBP2 (WW domain binding protein 2; minus strand). Cytogenetic location: 17q25.1.
Variant type: single nucleotide variant.
Coding change: c.71C>T on transcript NM_012478.4 (MANE Select); coding-DNA position 71, C replaced by T.
Protein change: p.Ser24Phe; replaces serine 24 with phenylalanine.
Molecular consequence: missense variant.
Genome position (GRCh38, 1-based): chr17:75,851,665, G>A on the plus strand (C>T on the coding strand, the complement: WBP2 is on the minus strand). VCF-style: chr17-75851665-G-A. GRCh37 (hg19) VCF-style: chr17-73847746-G-A.
Other names: c.71C>T, p.Ser24Phe (NM_001330499.2, NM_001348170.1); c.71C>T (NM_012478.3); short protein forms S24F.
Identifiers: ClinVar variation 2893885 (VCV002893885.4), dbSNP rs374977249, ClinGen allele CA8774043.
Genomic context (GRCh38, chr17:75,851,665, plus strand): 5'-CCTTTGAAGGCTTCTGGCACGTTCTTCATGTCATTGAATGTGAGTTCCACGTGATCATAG[G>A]ACATTAGGATGCTGTGATGAGAAAAGAGGAAAAGCCTCAATGAGACAGTATGGAGACGCG-3'
Protein context (NP_036610.2, residues 14-34): IVNNTESILM[Ser24Phe]YDHVELTFND